The following is an entry in ClinVar:

NM_001875.5(CPS1):c.2388del (p.Glu797fs)

Gene: CPS1 (carbamoyl-phosphate synthase 1; plus strand). Cytogenetic location: 2q34.
Variant type: Deletion.
Coding change: c.2388del on transcript NM_001875.5 (MANE Select); coding-DNA position 2388, one base deleted (A; older notation c.2388delA).
Protein change: p.Glu797fs; shifts the reading frame from glutamic acid 797.
Molecular consequence: frameshift variant. On other transcripts: non-coding transcript variant (2).
Genome position (GRCh38, 1-based): chr2:210,608,556, A deleted. VCF-style (leftmost placement, unchanged base first): chr2-210608555-GA-G. GRCh37 (hg19) VCF-style: chr2-211473279-GA-G.
Other names: c.2388del, p.Glu797fs (NM_001122633.3, NM_001369257.1); c.2421del, p.Glu808fs (NM_001369256.1); c.2388delA, p.Glu797Argfs (NM_001875.4); short protein forms E797fs, E808fs.
Identifiers: ClinVar variation 4065340 (VCV004065340.2).

ClinVar aggregate classification (germline): Likely pathogenic (1 of 4 stars; one submission).

Conditions:
Congenital hyperammonemia, type I. Also called: CPS I DEFICIENCY; Carbamoyl phosphate synthetase 1 deficiency; Hyperammonemia due to carbamoyl phosphate synthetase 1 deficiency; CPS 1 deficiency; Carbamyl phosphate synthetase (CPS) deficiency; Carbamoyl phosphate synthetase I deficiency disease. Identifiers: Orphanet 147, MedGen C4082171, MONDO:0009376, OMIM 237300.

Submission:

Natera, Inc.
Classification: Likely pathogenic for Carbamoyl-phosphate synthase I deficiency. Last evaluated: 2025-03-09. Review status: criteria provided, single submitter. Criteria: Natera Variant Classification Schema (03/2026). Collection method: clinical testing. Allele origin: germline.
Comment: The c.2388del variant in CPS1 is a frameshift variant predicted to shift the reading frame beginning at codon 797 and leads to a stop codon 24 codons downstream. This variant is expected to result in nonsense mediated decay, truncation, or a dysfunctional protein product. This variant is rare in the general population with a frequency below the threshold expected for the associated phenotype(s). Given the available evidence, this variant is classified as Likely Pathogenic.